The following is an entry in ClinVar:

ClinVar aggregate classification (germline): Uncertain significance (1 of 4 stars; one submission).

gnomAD v4.1: 1 of 1,613,914 alleles (0.000062%); highest among the groups gnomAD compares: Admixed American, 0.0017%; no homozygotes.

Submission:

Labcorp Genetics (formerly Invitae), Labcorp
Classification: Uncertain significance. Last evaluated: 2025-08-29. Review status: criteria provided, single submitter. Criteria: Invitae Variant Classification Sherloc (09022015). Collection method: clinical testing. Allele origin: germline.
Comment: This sequence change replaces methionine, which is neutral and non-polar, with leucine, which is neutral and non-polar, at codon 5 of the RPL27 protein (p.Met5Leu). This variant is not present in population databases (gnomAD no frequency). This variant has not been reported in the literature in individuals affected with RPL27-related conditions. An algorithm developed to predict the effect of missense changes on protein structure and function (PolyPhen-2) suggests that this variant is likely to be tolerated. In summary, the available evidence is currently insufficient to determine the role of this variant in disease. Therefore, it has been classified as a Variant of Uncertain Significance.

NM_000988.5(RPL27):c.13A>C (p.Met5Leu)

Genes: RPL27 (ribosomal protein L27; plus strand), LOC126862570 (CDK7 strongly-dependent group 2 enhancer GRCh37_chr17:41149993-41151192; plus strand). Cytogenetic location: 17q21.31.
Variant type: single nucleotide variant.
Coding change: c.13A>C on transcript NM_000988.5 (MANE Select); coding-DNA position 13, A replaced by C.
Protein change: p.Met5Leu; replaces methionine 5 with leucine.
Molecular consequence: missense variant. On other transcripts: non-coding transcript variant (1).
Genome position (GRCh38, 1-based): chr17:42,998,763, A>C. VCF-style: chr17-42998763-A-C. GRCh37 (hg19) VCF-style: chr17-41150780-A-C.
Other names: c.13A>C, p.Met5Leu (NM_001349921.2, NM_001349922.2); short protein forms M5L.
Identifiers: ClinVar variation 4748556 (VCV004748556.1).